The following is an entry in ClinVar:

NM_001257096.2(PAX1):c.238CACCCCGGC[1] (p.80HPG[1])

Gene: PAX1 (paired box 1; plus strand). Cytogenetic location: 20p11.22.
Variant type: Microsatellite.
Coding change: c.238CACCCCGGC[1] on transcript NM_001257096.2 (MANE Select); one copy of the 9-base unit CACCCCGGC starting at c.238; the reference has two copies in a row; one copy, 9 bases deleted.
Protein change: p.80HPG[1].
Molecular consequence: inframe deletion.
Genome position (GRCh38, 1-based): chr20:21,705,959-21,705,967, CACCCCGGC deleted; deleting any 9 consecutive bases within chr20:21,705,943-21,705,967 gives the same sequence; the position shown is the placement nearest the transcript's 3' end. VCF-style (leftmost placement, unchanged base first): chr20-21705942-GCCCCGGCCA-G. GRCh37 (hg19) VCF-style: chr20-21686580-GCCCCGGCCA-G.
Other names: c.238CACCCCGGC[1], p.80HPG[1] (NM_006192.5).
Identifiers: ClinVar variation 1397731 (VCV001397731.6), dbSNP rs747584250, ClinGen allele CA313027387.

ClinVar aggregate classification (germline): Uncertain significance (1 of 4 stars; one submission).

Submission:

Labcorp Genetics (formerly Invitae), Labcorp
Classification: Uncertain significance. Last evaluated: 2024-10-07. Review status: criteria provided, single submitter. Criteria: Invitae Variant Classification Sherloc (09022015). Collection method: clinical testing. Allele origin: germline.
Comment: This variant, c.247_255del, results in the deletion of 3 amino acid(s) of the PAX1 protein (p.His83_Gly85del), but otherwise preserves the integrity of the reading frame. This variant is present in population databases (no rsID available, gnomAD 0.01%). This variant has not been reported in the literature in individuals affected with PAX1-related conditions. Experimental studies and prediction algorithms are not available or were not evaluated, and the functional significance of this variant is currently unknown. In summary, the available evidence is currently insufficient to determine the role of this variant in disease. Therefore, it has been classified as a Variant of Uncertain Significance.